The following is an entry in ClinVar:

NM_206933.4(USH2A):c.14286C>A (p.Asn4762Lys)

Gene: USH2A (usherin; minus strand). Cytogenetic location: 1q41.
Variant type: single nucleotide variant.
Coding change: c.14286C>A on transcript NM_206933.4 (MANE Select); coding-DNA position 14286, C replaced by A.
Protein change: p.Asn4762Lys; replaces asparagine 4762 with lysine.
Molecular consequence: missense variant.
Genome position (GRCh38, 1-based): chr1:215,650,649, G>T on the plus strand (C>A on the coding strand, the complement: USH2A is on the minus strand). VCF-style: chr1-215650649-G-T. GRCh37 (hg19) VCF-style: chr1-215823991-G-T.
Other names: short protein forms N4762K.
Identifiers: ClinVar variation 1485310 (VCV001485310.8), dbSNP rs750368946, ClinGen allele CA1393072.
Genomic context (GRCh38, chr1:215,650,649, plus strand): 5'-CACCACTGTCTCAGCCCCATGGGCGCTGCTGGAGAACAGCCTGTAGAGACTGACGATCCC[G>T]TTGGGCTTCCCAGGGGCACTGATGTTGACCACTGCTTGGGTAGAAGAGATCACATGGAAC-3'
Protein context (NP_996816.3, residues 4752-4772): VVNISAPGKP[Asn4762Lys]GIVSLYRLFS

ClinVar aggregate classification (germline): Likely pathogenic. Review status: criteria provided, multiple submitters, no conflicts (2 of 4 stars). 3 submissions from 3 submitters: Likely pathogenic (3). Last evaluated 2025-10-30.

Conditions:
Usher syndrome. Also called: Usher Syndromes; Usher's syndrome. Identifiers: Orphanet 886, MedGen CN469326, MeSH D052245, MONDO:0019501. Disease mechanism: loss of function.
Retinitis pigmentosa 39 (RP39). Identifiers: Orphanet 791, MedGen C3151138, MONDO:0013436, OMIM 613809.

gnomAD v4.1: 2 of 1,614,126 alleles (0.00012%); highest among the groups gnomAD compares: Non-Finnish European, 0.00017%; no homozygotes.

Submissions (3):

Women's Health and Genetics/Laboratory Corporation of America, LabCorp
Classification: Likely pathogenic for Usher syndrome. Last evaluated: 2025-10-30. Review status: criteria provided, single submitter. Criteria: LabCorp Variant Classification Summary - May 2015. Collection method: clinical testing. Allele origin: germline.
Comment: Variant summary: USH2A c.14286C>A (p.Asn4762Lys) results in a non-conservative amino acid change in the encoded protein sequence. Algorithms developed to predict the effect of missense changes on protein structure and function are either unavailable or do not agree on the potential impact of this missense change. The variant allele was found at a frequency of 4e-06 in 251190 control chromosomes. c.14286C>A has been observed in individual(s) affected with Usher Syndrome (example: Galli-Resta_2018, internal data). These data indicate that the variant may be associated with disease. Other variant(s) that disrupt this residue have been determined to be pathogenic (example: p.Asn4762Ser). The following publications have been ascertained in the context of this evaluation (PMID: 30073356, 36460718, 33535592). ClinVar contains an entry for this variant (Variation ID: 1485310). Based on the evidence outlined above, the variant was classified as likely pathogenic.

Labcorp Genetics (formerly Invitae), Labcorp
Classification: Likely pathogenic. Last evaluated: 2024-12-12. Review status: criteria provided, single submitter. Criteria: Invitae Variant Classification Sherloc (09022015). Collection method: clinical testing. Allele origin: germline.
Comment: This sequence change replaces asparagine, which is neutral and polar, with lysine, which is basic and polar, at codon 4762 of the USH2A protein (p.Asn4762Lys). This variant is present in population databases (rs750368946, gnomAD 0.0009%). This missense change has been observed in individuals with inherited retinal disease and/or USH2A-related conditions (PMID: 30073356, 33247286, 36460718; internal data). ClinVar contains an entry for this variant (Variation ID: 1485310). Invitae Evidence Modeling of protein sequence and biophysical properties (such as structural, functional, and spatial information, amino acid conservation, physicochemical variation, residue mobility, and thermodynamic stability) indicates that this missense variant is not expected to disrupt USH2A protein function with a negative predictive value of 95%. This variant disrupts the p.Asn4762 amino acid residue in USH2A. Other variant(s) that disrupt this residue have been determined to be pathogenic (PMID: 22135276, 24938718, 29641573, 32100970). This suggests that this residue is clinically significant, and that variants that disrupt this residue are likely to be disease-causing. In summary, the currently available evidence indicates that the variant is pathogenic, but additional data are needed to prove that conclusively. Therefore, this variant has been classified as Likely Pathogenic.

Baylor Genetics
Classification: Likely pathogenic for Retinitis pigmentosa 39. Last evaluated: 2023-05-04. Review status: criteria provided, single submitter. Criteria: ACMG Guidelines, 2015. Collection method: clinical testing. Allele origin: unknown.

Literature cited by the submitters: PubMed 30073356 (cited by Women's Health and Genetics/Laboratory Corporation of America, LabCorp and Labcorp Genetics (formerly Invitae), Labcorp); PubMed 36460718 (cited by Women's Health and Genetics/Laboratory Corporation of America, LabCorp and Labcorp Genetics (formerly Invitae), Labcorp); PubMed 33535592 (cited by Women's Health and Genetics/Laboratory Corporation of America, LabCorp); PubMed 33247286 (cited by Labcorp Genetics (formerly Invitae), Labcorp); PubMed 22135276 (cited by Labcorp Genetics (formerly Invitae), Labcorp); PubMed 24938718 (cited by Labcorp Genetics (formerly Invitae), Labcorp); PubMed 29641573 (cited by Labcorp Genetics (formerly Invitae), Labcorp); PubMed 32100970 (cited by Labcorp Genetics (formerly Invitae), Labcorp).